The following is an entry in ClinVar:

ClinVar aggregate classification (germline): Uncertain significance. Review status: criteria provided, multiple submitters, no conflicts (2 of 4 stars). 3 submissions from 3 submitters: Uncertain significance (3). Last evaluated 2025-10-07.

Conditions:
Familial adenomatous polyposis 1 (FAP1). Also called: FAMILIAL ADENOMATOUS POLYPOSIS 1, ATTENUATED; POLYPOSIS, ADENOMATOUS INTESTINAL. Identifiers: MedGen C2713442, MONDO:0021056, OMIM 175100. Disease mechanism: loss of function.
Hereditary cancer-predisposing syndrome. Also called: Hereditary neoplastic syndrome; Neoplastic Syndromes, Hereditary; Tumor predisposition; Hereditary Cancer Syndrome. Identifiers: Orphanet 140162, MedGen C0027672, MeSH D009386, MONDO:0015356.

Allele frequency attached by ClinVar (database versions not stated): gnomAD exomes below 0.00001.
gnomAD v4.1: 2 of 1,613,540 alleles (0.00012%); highest among the groups gnomAD compares: South Asian, 0.0011%; no homozygotes.

Submissions (3):

Labcorp Genetics (formerly Invitae), Labcorp
Classification: Uncertain significance for Familial adenomatous polyposis 1. Last evaluated: 2025-10-07. Review status: criteria provided, single submitter. Criteria: Invitae Variant Classification Sherloc (09022015). Collection method: clinical testing. Allele origin: germline.
Comment: This sequence change replaces asparagine, which is neutral and polar, with threonine, which is neutral and polar, at codon 2405 of the APC protein (p.Asn2405Thr). This variant is not present in population databases (gnomAD no frequency). This variant has not been reported in the literature in individuals affected with APC-related conditions. ClinVar contains an entry for this variant (Variation ID: 422215). Invitae Evidence Modeling of protein sequence and biophysical properties (such as structural, functional, and spatial information, amino acid conservation, physicochemical variation, residue mobility, and thermodynamic stability) indicates that this missense variant is not expected to disrupt APC protein function with a negative predictive value of 95%. In summary, the available evidence is currently insufficient to determine the role of this variant in disease. Therefore, it has been classified as a Variant of Uncertain Significance.

Ambry Genetics
Classification: Uncertain significance for Hereditary cancer-predisposing syndrome. Last evaluated: 2025-08-29. Review status: criteria provided, single submitter. Criteria: Ambry Variant Classification Scheme 2023. Collection method: clinical testing. Allele origin: germline.
Comment: The p.N2405T variant (also known as c.7214A>C), located in coding exon 15 of the APC gene, results from an A to C substitution at nucleotide position 7214. The asparagine at codon 2405 is replaced by threonine, an amino acid with similar properties. This amino acid position is not well conserved in available vertebrate species. In addition, in silico predictors for this gene do not accurately predict pathogenicity. Since supporting evidence is limited at this time, the clinical significance of this alteration remains unclear.

GeneDx
Classification: Uncertain significance. Last evaluated: 2016-09-07. Review status: criteria provided, single submitter. Criteria: GeneDx Variant Classification (06012015). Collection method: clinical testing. Allele origin: germline. Affected: yes.
Comment: This variant is denoted APC c.7214A>C at the cDNA level, p.Asn2405Thr (N2405T) at the protein level, and results in the change of an Asparagine to a Threonine (AAT>ACT). This variant has not, to our knowledge, been published in the literature as pathogenic or benign. APC Asn2405Thr was not observed in approximately 6,500 individuals of European and African American ancestry in the NHLBI Exome Sequencing Project, suggesting it is not a common benign variant in these populations. Since Asparagine and Threonine share similar properties, this is considered a conservative amino acid substitution. APC Asn2405Thr occurs at a position that is not conserved and is not located in a known functional domain (Azzopardi 2008). In silico analyses predict that this variant is unlikely to alter protein structure or function. Based on currently available evidence, it is unclear whether APC Asn2405Thr is a pathogenic or benign variant. We consider it to be a variant of uncertain significance.

NM_000038.6(APC):c.7214A>C (p.Asn2405Thr)

Gene: APC (APC regulator of Wnt signaling pathway; plus strand). Cytogenetic location: 5q22.2.
Variant type: single nucleotide variant.
Coding change: c.7214A>C on transcript NM_000038.6 (MANE Select); coding-DNA position 7214, A replaced by C.
Protein change: p.Asn2405Thr; replaces asparagine 2405 with threonine.
Molecular consequence: missense variant.
Genome position (GRCh38, 1-based): chr5:112,842,808, A>C. VCF-style: chr5-112842808-A-C. GRCh37 (hg19) VCF-style: chr5-112178505-A-C.
Other names: c.7214A>C, p.Asn2405Thr (NM_001127510.3, NM_001354895.2); c.7160A>C, p.Asn2387Thr (NM_001127511.3); c.7268A>C, p.Asn2423Thr (NM_001354896.2); c.7244A>C, p.Asn2415Thr (NM_001354897.2); c.7139A>C, p.Asn2380Thr (NM_001354898.2); c.7130A>C, p.Asn2377Thr (NM_001354899.2); c.7091A>C, p.Asn2364Thr (NM_001354900.2); c.7037A>C, p.Asn2346Thr (NM_001354901.2); and 5 more; short protein forms N2387T, N2405T, N2122T, N2245T, N2314T, N2364T, N2377T, N2415T.
Identifiers: ClinVar variation 422215 (VCV000422215.17), dbSNP rs730881258, ClinGen allele CA16037042.